The following is an entry in ClinVar:

ClinVar aggregate classification (germline): Uncertain significance (1 of 4 stars; one submission).

Conditions:
Fanconi anemia complementation group J. Also called: BRIP1-Related Fanconi Anemia. Identifiers: Orphanet 84, MedGen C1836860, MONDO:0012187, OMIM 609054.
Familial cancer of breast. Also called: BREAST CANCER, FAMILIAL; Hereditary breast cancer; hereditary breast carcinoma. Identifiers: Orphanet 227535, MedGen C0346153, MONDO:0016419, OMIM 114480. Disease mechanism: loss of function.

gnomAD v4.1: 2 of 1,612,262 alleles (0.00012%); highest among the groups gnomAD compares: East Asian, 0.0045%; no homozygotes.

Submission:

Labcorp Genetics (formerly Invitae), Labcorp
Classification: Uncertain significance for Familial cancer of breast; Fanconi anemia complementation group J. Last evaluated: 2024-06-16. Review status: criteria provided, single submitter. Criteria: Invitae Variant Classification Sherloc (09022015). Collection method: clinical testing. Allele origin: germline.
Comment: This sequence change replaces proline, which is neutral and non-polar, with threonine, which is neutral and polar, at codon 1139 of the BRIP1 protein (p.Pro1139Thr). This variant is present in population databases (no rsID available, gnomAD 0.1%). This variant has not been reported in the literature in individuals affected with BRIP1-related conditions. An algorithm developed to predict the effect of missense changes on protein structure and function (PolyPhen-2) suggests that this variant is likely to be tolerated. In summary, the available evidence is currently insufficient to determine the role of this variant in disease. Therefore, it has been classified as a Variant of Uncertain Significance.

NM_032043.3(BRIP1):c.3415C>A (p.Pro1139Thr)

Gene: BRIP1 (BRCA1 interacting DNA helicase 1; minus strand). Cytogenetic location: 17q23.2.
Variant type: single nucleotide variant.
Coding change: c.3415C>A on transcript NM_032043.3 (MANE Select); coding-DNA position 3415, C replaced by A.
Protein change: p.Pro1139Thr; replaces proline 1139 with threonine.
Molecular consequence: missense variant.
Genome position (GRCh38, 1-based): chr17:61,683,631, G>T on the plus strand (C>A on the coding strand, the complement: BRIP1 is on the minus strand). VCF-style: chr17-61683631-G-T. GRCh37 (hg19) VCF-style: chr17-59760992-G-T.
Other names: short protein forms P1139T.
Identifiers: ClinVar variation 3763341 (VCV003763341.2).